The following is an entry in ClinVar:

NM_017849.4(TMEM127):c.385T>G (p.Tyr129Asp)

Gene: TMEM127 (transmembrane protein 127; minus strand). Cytogenetic location: 2q11.2.
Variant type: single nucleotide variant.
Coding change: c.385T>G on transcript NM_017849.4 (MANE Select); coding-DNA position 385, T replaced by G.
Protein change: p.Tyr129Asp; replaces tyrosine 129 with aspartic acid.
Molecular consequence: missense variant.
Genome position (GRCh38, 1-based): chr2:96,254,857, A>C on the plus strand (T>G on the coding strand, the complement: TMEM127 is on the minus strand). VCF-style: chr2-96254857-A-C. GRCh37 (hg19) VCF-style: chr2-96920595-A-C.
Other names: c.385T>G, p.Tyr129Asp (NM_001193304.3); c.133T>G, p.Tyr45Asp (NM_001407282.1, NM_001407283.1); short protein forms Y129D, Y45D.
Identifiers: ClinVar variation 4083037 (VCV004083037.1).
Genomic context (GRCh38, chr2:96,254,857, plus strand): 5'-AGTTCCTCTCCCACTGTGAGCAGGCTCACGGCTTACCCGTTAGGATATGGGCGAAGGCAT[A>C]GCGACGAGTGATCTTCAGAGCAGGATGCTTCGGCCCAAAGACATCCAGAAGGAAAGCGGA-3'
Protein context (NP_060319.1, residues 119-139): KHPALKITRR[Tyr129Asp]AFAHILTVLQ

ClinVar aggregate classification (germline): Uncertain significance (1 of 4 stars; one submission).

Submission:

GeneDx
Classification: Uncertain significance. Last evaluated: 2025-03-12. Review status: criteria provided, single submitter. Criteria: GeneDx Variant Classification Process June 2021. Collection method: clinical testing. Allele origin: germline. Affected: yes.
Comment: Not observed at significant frequency in large population cohorts (gnomAD); In silico analysis supports that this missense variant has a deleterious effect on protein structure/function; Has not been previously published as pathogenic or benign to our knowledge; This variant is associated with the following publications: (PMID: 21156949)